The following is an entry in ClinVar:

NM_000452.3(SLC10A2):c.701C>A (p.Pro234His)

Gene: SLC10A2 (solute carrier family 10 member 2; minus strand). Cytogenetic location: 13q33.1.
Variant type: single nucleotide variant.
Coding change: c.701C>A on transcript NM_000452.3 (MANE Select); coding-DNA position 701, C replaced by A.
Protein change: p.Pro234His; replaces proline 234 with histidine.
Molecular consequence: missense variant.
Genome position (GRCh38, 1-based): chr13:103,051,317, G>T on the plus strand (C>A on the coding strand, the complement: SLC10A2 is on the minus strand). VCF-style: chr13-103051317-G-T. GRCh37 (hg19) VCF-style: chr13-103703667-G-T.
Other names: short protein forms P234H.
Identifiers: ClinVar variation 3693159 (VCV003693159.2).
Genomic context (GRCh38, chr13:103,051,317, plus strand): 5'-CTGTACCAGGGTAGACCAGCAATTCTAGCCAGAAGAAACCCCAGGGAGTAACCCGCCACA[G>T]GAAATATTGTTCCTATAATCCACAGTTTGGGAGCAATGATCCAGGCGCTTTGGTACAATA-3'
Protein context (NP_000443.2, residues 224-244): PKLWIIGTIF[Pro234His]VAGYSLGFLL

ClinVar aggregate classification (germline): Uncertain significance (1 of 4 stars; one submission).

Submission:

Labcorp Genetics (formerly Invitae), Labcorp
Classification: Uncertain significance. Last evaluated: 2024-11-27. Review status: criteria provided, single submitter. Criteria: Invitae Variant Classification Sherloc (09022015). Collection method: clinical testing. Allele origin: germline.
Comment: This sequence change replaces proline, which is neutral and non-polar, with histidine, which is basic and polar, at codon 234 of the SLC10A2 protein (p.Pro234His). This variant is not present in population databases (gnomAD no frequency). This variant has not been reported in the literature in individuals affected with SLC10A2-related conditions. Invitae Evidence Modeling of protein sequence and biophysical properties (such as structural, functional, and spatial information, amino acid conservation, physicochemical variation, residue mobility, and thermodynamic stability) indicates that this missense variant is expected to disrupt SLC10A2 protein function with a positive predictive value of 80%. In summary, the available evidence is currently insufficient to determine the role of this variant in disease. Therefore, it has been classified as a Variant of Uncertain Significance.